The following is an entry in ClinVar:

NM_001174150.2(ARL13B):c.730A>G (p.Ser244Gly)

Gene: ARL13B (ARF like GTPase 13B; plus strand). Cytogenetic location: 3q11.2.
Variant type: single nucleotide variant.
Coding change: c.730A>G on transcript NM_001174150.2 (MANE Select); coding-DNA position 730, A replaced by G.
Protein change: p.Ser244Gly; replaces serine 244 with glycine.
Molecular consequence: missense variant. On other transcripts: non-coding transcript variant (2).
Genome position (GRCh38, 1-based): chr3:94,039,920, A>G. VCF-style: chr3-94039920-A-G. GRCh37 (hg19) VCF-style: chr3-93758764-A-G.
Other names: c.421A>G, p.Ser141Gly (NM_001174151.2); c.685A>G, p.Ser229Gly (NM_001321328.2); c.730A>G, p.Ser244Gly (NM_001410782.1, NM_182896.3); c.409A>G, p.Ser137Gly (NM_144996.4); short protein forms S141G, S229G, S137G, S244G.
Identifiers: ClinVar variation 2184526 (VCV002184526.4), dbSNP rs781643859, ClinGen allele CA2504150.
Genomic context (GRCh38, chr3:94,039,920, plus strand): 5'-TATTTTTCCTCAAACGATAGAAAACAAAATGAACAGGAGCAGGCTGAACTCGATGGAACC[A>G]GTGGTCTGGCTGAGTTGGACCCAGAACCAACGAATCCTTTCCAGCCAATAGCATCTGTAA-3'
Protein context (NP_001167621.1, residues 234-254): EQEQAELDGT[Ser244Gly]GLAELDPEPT

ClinVar aggregate classification (germline): Uncertain significance (1 of 4 stars; one submission).

Conditions:
Joubert syndrome 8 (JBTS8). Identifiers: Orphanet 475, MedGen C2676771, MONDO:0012855, OMIM 612291.

Allele frequency attached by ClinVar (database versions not stated): TOPMed below 0.00001; gnomAD 0.00001; gnomAD exomes 0.00001; ExAC 0.00002.
gnomAD v4.1: 4 of 1,614,026 alleles (0.00025%); highest among the groups gnomAD compares: Non-Finnish European, 0.00034%; no homozygotes.

Submission:

Labcorp Genetics (formerly Invitae), Labcorp
Classification: Uncertain significance for Joubert syndrome 8. Last evaluated: 2022-07-21. Review status: criteria provided, single submitter. Criteria: Invitae Variant Classification Sherloc (09022015). Collection method: clinical testing. Allele origin: germline.
Comment: This variant is present in population databases (rs781643859, gnomAD 0.003%). This sequence change replaces serine, which is neutral and polar, with glycine, which is neutral and non-polar, at codon 244 of the ARL13B protein (p.Ser244Gly). This variant has not been reported in the literature in individuals affected with ARL13B-related conditions. Algorithms developed to predict the effect of missense changes on protein structure and function output the following: SIFT: "Tolerated"; PolyPhen-2: "Benign"; Align-GVGD: "Class C0". The glycine amino acid residue is found in multiple mammalian species, which suggests that this missense change does not adversely affect protein function. In summary, the available evidence is currently insufficient to determine the role of this variant in disease. Therefore, it has been classified as a Variant of Uncertain Significance.